The following is an entry in ClinVar:

NM_024675.4(PALB2):c.3295A>G (p.Thr1099Ala)

Gene: PALB2 (partner and localizer of BRCA2; minus strand). Cytogenetic location: 16p12.2.
Variant type: single nucleotide variant.
Coding change: c.3295A>G on transcript NM_024675.4 (MANE Select); coding-DNA position 3295, A replaced by G.
Protein change: p.Thr1099Ala; replaces threonine 1099 with alanine.
Molecular consequence: missense variant.
Genome position (GRCh38, 1-based): chr16:23,607,919, T>C on the plus strand (A>G on the coding strand, the complement: PALB2 is on the minus strand). VCF-style: chr16-23607919-T-C. GRCh37 (hg19) VCF-style: chr16-23619240-T-C.
Other names: c.3235A>G, p.Thr1079Ala (NM_001407296.1); c.3223A>G, p.Thr1075Ala (NM_001407297.1); c.3133A>G, p.Thr1045Ala (NM_001407298.1); c.3016A>G, p.Thr1006Ala (NM_001407300.1); c.2410A>G, p.Thr804Ala (NM_001407304.1, NM_001407305.1, NM_001407306.1); c.2248A>G, p.Thr750Ala (NM_001407307.1); c.1507A>G, p.Thr503Ala (NM_001407312.1); c.829A>G, p.Thr277Ala (NM_001407314.1); short protein forms T1006A, T1045A, T1075A, T1079A, T1099A, T277A, T503A, T750A.
Identifiers: ClinVar variation 1717218 (VCV001717218.5), dbSNP rs2142272338, ClinGen allele CA395139528.
Genomic context (GRCh38, chr16:23,607,919, plus strand): 5'-CTTGCCTGCCAGCCTGCCCTGGAGGAAGACAGTACAGCATCACACCCACGCTGAGAGTCG[T>C]CTTAGGGTTAATCACAATGAGCTGAAACACAGGGCTTCGCAACGACTCACTCTCTTTGGC-3'
Protein context (NP_078951.2, residues 1089-1109): VFQLIVINPK[Thr1099Ala]TLSVGVMLYC

ClinVar aggregate classification (germline): Uncertain significance (1 of 4 stars; one submission).

Conditions:
Familial cancer of breast. Also called: BREAST CANCER, FAMILIAL; hereditary breast carcinoma; Hereditary breast cancer. Identifiers: Orphanet 227535, MedGen C0346153, MONDO:0016419, OMIM 114480. Disease mechanism: loss of function.

Submission:

Labcorp Genetics (formerly Invitae), Labcorp
Classification: Uncertain significance for Familial cancer of breast. Last evaluated: 2023-05-08. Review status: criteria provided, single submitter. Criteria: Invitae Variant Classification Sherloc (09022015). Collection method: clinical testing. Allele origin: germline.
Comment: This sequence change replaces threonine, which is neutral and polar, with alanine, which is neutral and non-polar, at codon 1099 of the PALB2 protein (p.Thr1099Ala). This variant is not present in population databases (gnomAD no frequency). This variant has not been reported in the literature in individuals affected with PALB2-related conditions. ClinVar contains an entry for this variant (Variation ID: 1717218). An algorithm developed to predict the effect of missense changes on protein structure and function (PolyPhen-2) suggests that this variant is likely to be tolerated. In summary, the available evidence is currently insufficient to determine the role of this variant in disease. Therefore, it has been classified as a Variant of Uncertain Significance.